The following is an entry in ClinVar:

NM_001174089.2(SLC4A11):c.2158G>T (p.Glu720Ter)

Gene: SLC4A11 (solute carrier family 4 member 11; minus strand). Cytogenetic location: 20p13.
Variant type: single nucleotide variant.
Coding change: c.2158G>T on transcript NM_001174089.2 (MANE Select); coding-DNA position 2158, G replaced by T.
Protein change: p.Glu720Ter; replaces glutamic acid 720 with a stop codon.
Molecular consequence: nonsense. On other transcripts: non-coding transcript variant (1).
Genome position (GRCh38, 1-based): chr20:3,228,872, C>A on the plus strand (G>T on the coding strand, the complement: SLC4A11 is on the minus strand). VCF-style: chr20-3228872-C-A. GRCh37 (hg19) VCF-style: chr20-3209518-C-A.
Other names: c.2287G>T, p.Glu763Ter (NM_001174090.2); c.2044G>T, p.Glu682Ter (NM_001363745.2); c.2206G>T, p.Glu736Ter (NM_032034.4); short protein forms E682*, E720*, E763*, E736*.
Identifiers: ClinVar variation 664579 (VCV000664579.10), dbSNP rs1600561475, ClinGen allele CA408086827.
Genomic context (GRCh38, chr20:3,228,872, plus strand): 5'-ACGGCTCTTGCCAGCCTCACACTCACGTGTCATAGATGTGTCCGTTCTCCACACGCTCCT[C>A]CACTAAGGCCAGGGCTCGCACGTGCAGCGGGGAGTGGGGGTAGGCGGCATGGATCCAAGG-3'

ClinVar aggregate classification (germline): Pathogenic/Likely pathogenic. Review status: criteria provided, multiple submitters, no conflicts (2 of 4 stars). 4 submissions from 4 submitters: Pathogenic (1); Likely pathogenic (3). Last evaluated 2025-08-07.

Conditions:
Corneal dystrophy-perceptive deafness syndrome (CDPD). Also called: HARBOYAN SYNDROME; CORNEAL DYSTROPHY AND SENSORINEURAL DEAFNESS. Identifiers: Orphanet 1490, MedGen C1857572, MONDO:0009015, OMIM 217400.
Congenital hereditary endothelial dystrophy of cornea. Also called: Congenital hereditary endothelial dystrophy of the cornea; Maumenee corneal dystrophy; Congenital hereditary endothelial dystrophy type II; CORNEAL DYSTROPHY, CONGENITAL HEREDITARY ENDOTHELIAL; Corneal endothelial dystrophy, autosomal recessive. Identifiers: Orphanet 293603, MedGen C1857569, MONDO:0009019, OMIM 217700.
Corneal dystrophy, Fuchs endothelial, 4 (FECD4). Identifiers: Orphanet 98974, MedGen C2750450, MONDO:0013204, OMIM 613268.

Allele frequency attached by ClinVar (database versions not stated): TOPMed 0.00002.

Submissions (4):

Dasa
Classification: Likely pathogenic. Last evaluated: 2025-08-07. Review status: criteria provided, single submitter. Criteria: DASA Assertion Criteria. Collection method: clinical testing. Allele origin: germline.
Comment: NM_001174089.2(SLC4A11):c.2158G>T (p.Glu720*) is a nonsense variant in SLC4A11 predicted to introduce a premature termination codon and is predicted to result in an absent or altered protein product. Loss of function is an established disease mechanism for SLC4A11-associated disorders. Also, this variant is rare in population databases. Based on the currently available evidence, this variant is classified as likely pathogenic.

Natera, Inc.
Classification: Likely pathogenic for Corneal dystrophy-perceptive deafness syndrome. Last evaluated: 2025-07-17. Review status: criteria provided, single submitter. Criteria: Natera Variant Classification Schema (03/2026). Collection method: clinical testing. Allele origin: germline.
Comment: The c.2206G>T variant in SLC4A11 is a nonsense variant predicted to introduce a stop codon at amino acid 736. This variant is expected to result in nonsense mediated decay, truncation, or a dysfunctional protein product. This variant is rare in the general population with a frequency below the threshold expected for the associated phenotype(s). Given the available evidence, this variant is classified as Likely Pathogenic.

Fulgent Genetics
Classification: Likely pathogenic for Corneal dystrophy-perceptive deafness syndrome; Congenital hereditary endothelial dystrophy of cornea; Corneal dystrophy, Fuchs endothelial, 4. Last evaluated: 2024-06-20. Review status: criteria provided, single submitter. Criteria: ACMG Guidelines, 2015. Collection method: clinical testing. Allele origin: germline.

Labcorp Genetics (formerly Invitae), Labcorp
Classification: Pathogenic. Last evaluated: 2023-07-29. Review status: criteria provided, single submitter. Criteria: Invitae Variant Classification Sherloc (09022015). Collection method: clinical testing. Allele origin: germline.
Comment: For these reasons, this variant has been classified as Pathogenic. ClinVar contains an entry for this variant (Variation ID: 664579). This variant has not been reported in the literature in individuals affected with SLC4A11-related conditions. This variant is not present in population databases (gnomAD no frequency). This sequence change creates a premature translational stop signal (p.Glu736*) in the SLC4A11 gene. It is expected to result in an absent or disrupted protein product. Loss-of-function variants in SLC4A11 are known to be pathogenic (PMID: 17220209, 17679935).

Literature cited by the submitters: PubMed 17220209 (cited by Labcorp Genetics (formerly Invitae), Labcorp); PubMed 17679935 (cited by Labcorp Genetics (formerly Invitae), Labcorp).